The following is an entry in ClinVar:

ClinVar aggregate classification (germline): Pathogenic (1 of 4 stars; one submission).

Submission:

Labcorp Genetics (formerly Invitae), Labcorp
Classification: Pathogenic. Last evaluated: 2024-06-23. Review status: criteria provided, single submitter. Criteria: Invitae Variant Classification Sherloc (09022015). Collection method: clinical testing. Allele origin: germline.
Comment: This sequence change creates a premature translational stop signal (p.Ile137Asnfs*9) in the PHEX gene. It is expected to result in an absent or disrupted protein product. Loss-of-function variants in PHEX are known to be pathogenic (PMID: 9097956, 9106524, 19219621). This variant is not present in population databases (gnomAD no frequency). This variant has not been reported in the literature in individuals affected with PHEX-related conditions. ClinVar contains an entry for this variant (Variation ID: 1385649). For these reasons, this variant has been classified as Pathogenic.

Literature cited by the submitters: PubMed 9097956; PubMed 9106524; PubMed 19219621.

NM_000444.6(PHEX):c.409dup (p.Ile137fs)

Gene: PHEX (phosphate regulating endopeptidase X-linked; plus strand). Cytogenetic location: Xp22.11.
Variant type: Duplication.
Coding change: c.409dup on transcript NM_000444.6 (MANE Select); coding-DNA position 409, one base duplicated (A; older notation c.409dupA).
Protein change: p.Ile137fs; shifts the reading frame from isoleucine 137.
Molecular consequence: frameshift variant.
Genome position (GRCh38, 1-based): chrX:22,076,447, A duplicated; the last of 4 consecutive A bases (chrX:22,076,444-22,076,447); duplicating any one gives the same sequence. VCF-style (leftmost placement, unchanged base first): chrX-22076443-C-CA. GRCh37 (hg19) VCF-style: chrX-22094561-C-CA.
Other names: c.409dup, p.Ile137fs (NM_001282754.2); short protein forms I137fs.
Identifiers: ClinVar variation 1385649 (VCV001385649.6), dbSNP rs2147019218, ClinGen allele CA2573158514.